The following is an entry in ClinVar:

NM_001844.5(COL2A1):c.3455G>A (p.Gly1152Asp)

Gene: COL2A1 (collagen type II alpha 1 chain; minus strand). Cytogenetic location: 12q13.11.
Variant type: single nucleotide variant.
Coding change: c.3455G>A on transcript NM_001844.5 (MANE Select); coding-DNA position 3455, G replaced by A.
Protein change: p.Gly1152Asp; replaces glycine 1152 with aspartic acid.
Molecular consequence: missense variant.
Genome position (GRCh38, 1-based): chr12:47,976,548, C>T on the plus strand (G>A on the coding strand, the complement: COL2A1 is on the minus strand). VCF-style: chr12-47976548-C-T. GRCh37 (hg19) VCF-style: chr12-48370331-C-T.
Other names: c.3248G>A, p.Gly1083Asp (NM_033150.3); short protein forms G1083D, G1152D.
Identifiers: ClinVar variation 1686582 (VCV001686582.4), dbSNP rs2136516779, ClinGen allele CA384537541.

ClinVar aggregate classification (germline): Conflicting classifications of pathogenicity. Review status: criteria provided, conflicting classifications (1 of 4 stars). 2 submissions from 2 submitters: Pathogenic (1); Uncertain significance (1). Last evaluated 2023-07-31.

Submissions (2):

Labcorp Genetics (formerly Invitae), Labcorp
Classification: Pathogenic. Last evaluated: 2023-07-31. Review status: criteria provided, single submitter. Criteria: Invitae Variant Classification Sherloc (09022015). Collection method: clinical testing. Allele origin: germline.
Comment: ClinVar contains an entry for this variant (Variation ID: 1686582). This sequence change replaces glycine, which is neutral and non-polar, with aspartic acid, which is acidic and polar, at codon 1152 of the COL2A1 protein (p.Gly1152Asp). This variant is not present in population databases (gnomAD no frequency). This missense change has been observed in individuals with clinical features of autosomal dominant spondyloepiphyseal dysplasia (PMID: 21924244; Invitae). Advanced modeling of protein sequence and biophysical properties (such as structural, functional, and spatial information, amino acid conservation, physicochemical variation, residue mobility, and thermodynamic stability) performed at Invitae indicates that this missense variant is expected to disrupt COL2A1 protein function. This variant disrupts the triple helix domain of COL2A1. Glycine residues within the Gly-Xaa-Yaa repeats of the triple helix domain are required for the structure and stability of fibrillar collagens (PMID: 7695699, 8218237, 19344236). In COL2A1, variants affecting these glycine residues are significantly enriched in individuals with disease (PMID: 9016532, 17078022) compared to the general population (ExAC). For these reasons, this variant has been classified as Pathogenic.

Mendelics
Classification: Uncertain significance. Last evaluated: 2022-05-04. Review status: criteria provided, single submitter. Criteria: Mendelics Assertion Criteria 2019. Collection method: clinical testing. Allele origin: germline.

Literature cited by the submitters: PubMed 21924244 (cited by Labcorp Genetics (formerly Invitae), Labcorp); PubMed 7695699 (cited by Labcorp Genetics (formerly Invitae), Labcorp); PubMed 8218237 (cited by Labcorp Genetics (formerly Invitae), Labcorp); PubMed 19344236 (cited by Labcorp Genetics (formerly Invitae), Labcorp); PubMed 9016532 (cited by Labcorp Genetics (formerly Invitae), Labcorp); PubMed 17078022 (cited by Labcorp Genetics (formerly Invitae), Labcorp).